The following is an entry in ClinVar:

NM_001145026.2(PTPRQ):c.1355A>G (p.Asn452Ser)

Gene: PTPRQ (protein tyrosine phosphatase receptor type Q; plus strand). Cytogenetic location: 12q21.31.
Variant type: single nucleotide variant.
Coding change: c.1355A>G on transcript NM_001145026.2 (MANE Select); coding-DNA position 1355, A replaced by G.
Protein change: p.Asn452Ser; replaces asparagine 452 with serine.
Molecular consequence: missense variant.
Genome position (GRCh38, 1-based): chr12:80,484,601, A>G. VCF-style: chr12-80484601-A-G. GRCh37 (hg19) VCF-style: chr12-80878380-A-G.
Other names: short protein forms N452S.
Identifiers: ClinVar variation 3365980 (VCV003365980.1).
Genomic context (GRCh38, chr12:80,484,601, plus strand): 5'-TGAAAGTGCTAGTTCCAGAGACAGGAATAATTTTGGAAAATACTTTGCTCACTGGAAATA[A>G]TGAGGTATTGCATTTTTATTTCACTTATTGGTGAACCCTTTCTGCTTGGTTCTGGCTCTG-3'
Protein context (NP_001138498.1, residues 442-462): ILENTLLTGN[Asn452Ser]EYINDPMAPE

ClinVar aggregate classification (germline): Uncertain significance (1 of 4 stars; one submission).

gnomAD v4.1: 5 of 1,550,120 alleles (0.00032%); highest among the groups gnomAD compares: Admixed American, 0.0039%; no homozygotes.

Submission:

GeneDx
Classification: Uncertain significance. Last evaluated: 2023-10-17. Review status: criteria provided, single submitter. Criteria: GeneDx Variant Classification Process June 2021. Collection method: clinical testing. Allele origin: germline. Affected: yes.
Comment: In silico analysis supports that this missense variant does not alter protein structure/function; In silico analysis suggests this variant may impact gene splicing. In the absence of RNA/functional studies, the actual effect of this sequence change is unknown.; Has not been previously published as pathogenic or benign to our knowledge